The following is an entry in ClinVar:

NM_001367871.1(FBRSL1):c.885_899dup (p.Pro299_Gln300insHisArgHisThrPro)

Gene: FBRSL1 (fibrosin like 1; plus strand). Cytogenetic location: 12q24.33.
Variant type: Duplication.
Coding change: c.885_899dup on transcript NM_001367871.1 (MANE Select); coding-DNA positions 885 to 899, 15 bases duplicated (CCGCCACACCCCGCA).
Protein change: p.Pro299_Gln300insHisArgHisThrPro.
Molecular consequence: inframe insertion.
Genome position (GRCh38, 1-based): chr12:132,570,119-132,570,133, CCGCCACACCCCGCA duplicated; duplicating any 15 consecutive bases within chr12:132,570,112-132,570,133 gives the same sequence; the c. name uses the placement nearest the transcript's 3' end. VCF-style (leftmost placement, unchanged base first): chr12-132570111-G-GCCCCGCACCGCCACA. GRCh37 (hg19) VCF-style: chr12-133146697-G-GCCCCGCACCGCCACA.
Other names: c.885_899dup, p.Pro299_Gln300insHisArgHisThrPro (NM_001142641.2, NM_001382739.1, NM_001382740.1).
Identifiers: ClinVar variation 2421644 (VCV002421644.6), dbSNP rs2541418972, ClinGen allele CA2580085972.

ClinVar aggregate classification (germline): Uncertain significance (1 of 4 stars; one submission).

Submission:

Labcorp Genetics (formerly Invitae), Labcorp
Classification: Uncertain significance. Last evaluated: 2022-07-26. Review status: criteria provided, single submitter. Criteria: Invitae Variant Classification Sherloc (09022015). Collection method: clinical testing. Allele origin: germline.
Comment: This variant is not present in population databases (gnomAD no frequency). This variant, c.885_899dup, results in the insertion of 5 amino acid(s) of the FBRSL1 protein (p.His295_Pro299dup), but otherwise preserves the integrity of the reading frame. This variant has not been reported in the literature in individuals affected with FBRSL1-related conditions. Experimental studies and prediction algorithms are not available or were not evaluated, and the functional significance of this variant is currently unknown. In summary, the available evidence is currently insufficient to determine the role of this variant in disease. Therefore, it has been classified as a Variant of Uncertain Significance.